The following is an entry in ClinVar:

ClinVar aggregate classification (germline): Likely benign. Review status: criteria provided, single submitter (1 of 4 stars). 2 submissions from 2 submitters: Likely benign (1). 1 of the submissions does not count toward it. Last evaluated 2026-02-03.

Conditions:
Rubinstein-Taybi syndrome due to EP300 haploinsufficiency. Also called: EP300-Related Rubinstein-Taybi Syndrome; RUBINSTEIN-TAYBI SYNDROME 2. Identifiers: Orphanet 353284, Orphanet 783, MedGen C3150941, MONDO:0013364, OMIM 613684.
EP300-related disorder. Also called: EP300-related condition; EP300-related disorders.

Allele frequency attached by ClinVar (database versions not stated): TOPMed 0.00001.
gnomAD v4.1: 10 of 1,613,920 alleles (0.00062%); highest among the groups gnomAD compares: South Asian, 0.0066%; no homozygotes.

Submissions (2):

Labcorp Genetics (formerly Invitae), Labcorp
Classification: Likely benign for Rubinstein-Taybi syndrome due to EP300 haploinsufficiency. Last evaluated: 2026-02-03. Review status: criteria provided, single submitter. Criteria: Invitae Variant Classification Sherloc (09022015). Collection method: clinical testing. Allele origin: germline.

PreventionGenetics, part of Exact Sciences
Classification: Likely benign for EP300-related condition. Last evaluated: 2020-12-17. Review status: no assertion criteria provided. Collection method: clinical testing. Allele origin: germline. Not counted in ClinVar's aggregate classification.
Comment: This variant is classified as likely benign based on ACMG/AMP sequence variant interpretation guidelines (Richards et al. 2015 PMID: 25741868, with internal and published modifications).

NM_001429.4(EP300):c.907-9A>G

Gene: EP300 (EP300 lysine acetyltransferase; plus strand). Cytogenetic location: 22q13.2.
Variant type: single nucleotide variant.
Coding change: c.907-9A>G on transcript NM_001429.4 (MANE Select); 9 bases into the intron before coding-DNA position 907, A replaced by G.
Molecular consequence: intron variant.
Genome position (GRCh38, 1-based): chr22:41,127,478, A>G. VCF-style: chr22-41127478-A-G. GRCh37 (hg19) VCF-style: chr22-41523482-A-G.
Other names: c.907-9A>G (NM_001362843.2).
Identifiers: ClinVar variation 3030374 (VCV003030374.3), dbSNP rs1472439923, ClinGen allele CA1025824392.